The following is an entry in ClinVar:

NM_030650.3(LNPK):c.70-10C>G

Gene: LNPK (lunapark, ER junction formation factor; minus strand). Cytogenetic location: 2q31.1.
Variant type: single nucleotide variant.
Coding change: c.70-10C>G on transcript NM_030650.3 (MANE Select); 10 bases into the intron before coding-DNA position 70, C replaced by G.
Molecular consequence: intron variant.
Genome position (GRCh38, 1-based): chr2:175,992,428, G>C on the plus strand (C>G on the coding strand, the complement: LNPK is on the minus strand). VCF-style: chr2-175992428-G-C. GRCh37 (hg19) VCF-style: chr2-176857156-G-C.
Other names: NC_000002.11:g.176857156G>C; c.-113+3130C>G (NM_001305011.2); c.221-155C>G (NM_001305010.1); c.70-10C>G (NM_001305009.1); c.268-10C>G (NM_001305008.1).
Identifiers: ClinVar variation 3060104 (VCV003060104.3), dbSNP rs141241763, ClinGen allele CA1976097.

ClinVar aggregate classification (germline): Benign (0 of 4 stars; one submission).

Conditions:
LNPK-related disorder. Also called: LNPK-related condition.

Allele frequency attached by ClinVar (database versions not stated): 1000 Genomes Project 30x 0.00531; 1000 Genomes Project 0.00619; TOPMed 0.01372; ESP Exome Variant Server 0.01388; gnomAD 0.01549; gnomAD exomes 0.02087; ExAC 0.02096.
gnomAD v4.1: 29,097 of 1,442,826 alleles (2%); highest among the groups gnomAD compares: Non-Finnish European, 2.2%; 338 homozygotes.

Submissions (17):

PreventionGenetics, part of Exact Sciences
Classification: Benign for LNPK-related condition. Last evaluated: 2019-10-28. Review status: no assertion criteria provided. Collection method: clinical testing. Allele origin: germline.
Comment: This variant is classified as benign based on ACMG/AMP sequence variant interpretation guidelines (Richards et al. 2015 PMID: 25741868, with internal and published modifications).

Dr. Peter K. Rogan Lab, Western University
No classification provided (evidence only). Condition: Familial cancer of breast. Review status: no classification provided. Collection method: in vitro. Allele origin: not applicable. Functional consequence: retained intron. Not counted in ClinVar's aggregate classification.

Dr. Peter K. Rogan Lab, Western University
No classification provided (evidence only). Condition: Familial cancer of breast. Review status: no classification provided. Collection method: in vitro. Allele origin: not applicable. Functional consequence: retained intron. Not counted in ClinVar's aggregate classification.

Dr. Peter K. Rogan Lab, Western University
No classification provided (evidence only). Condition: Acute myeloid leukemia. Review status: no classification provided. Collection method: in vitro. Allele origin: not applicable. Functional consequence: retained intron. Not counted in ClinVar's aggregate classification.

Dr. Peter K. Rogan Lab, Western University
No classification provided (evidence only). Condition: Uterine corpus endometrial carcinoma. Review status: no classification provided. Collection method: in vitro. Allele origin: not applicable. Functional consequence: retained intron. Not counted in ClinVar's aggregate classification.

Dr. Peter K. Rogan Lab, Western University
No classification provided (evidence only). Condition: Cervical cancer. Review status: no classification provided. Collection method: in vitro. Allele origin: not applicable. Functional consequence: retained intron. Not counted in ClinVar's aggregate classification.

Dr. Peter K. Rogan Lab, Western University
No classification provided (evidence only). Condition: Sarcoma. Review status: no classification provided. Collection method: in vitro. Allele origin: not applicable. Functional consequence: retained intron. Not counted in ClinVar's aggregate classification.

Dr. Peter K. Rogan Lab, Western University
No classification provided (evidence only). Condition: Ovarian serous cystadenocarcinoma. Review status: no classification provided. Collection method: in vitro. Allele origin: not applicable. Functional consequence: retained intron. Not counted in ClinVar's aggregate classification.

Dr. Peter K. Rogan Lab, Western University
No classification provided (evidence only). Condition: Ovarian serous cystadenocarcinoma. Review status: no classification provided. Collection method: in vitro. Allele origin: not applicable. Functional consequence: retained intron. Not counted in ClinVar's aggregate classification.

Dr. Peter K. Rogan Lab, Western University
No classification provided (evidence only). Condition: Ovarian serous cystadenocarcinoma. Review status: no classification provided. Collection method: in vitro. Allele origin: not applicable. Functional consequence: retained intron. Not counted in ClinVar's aggregate classification.

Dr. Peter K. Rogan Lab, Western University
No classification provided (evidence only). Condition: Malignant tumor of esophagus. Review status: no classification provided. Collection method: in vitro. Allele origin: not applicable. Functional consequence: retained intron. Not counted in ClinVar's aggregate classification.

Dr. Peter K. Rogan Lab, Western University
No classification provided (evidence only). Condition: Malignant tumor of esophagus. Review status: no classification provided. Collection method: in vitro. Allele origin: not applicable. Functional consequence: retained intron. Not counted in ClinVar's aggregate classification.

Dr. Peter K. Rogan Lab, Western University
No classification provided (evidence only). Condition: Malignant tumor of esophagus. Review status: no classification provided. Collection method: in vitro. Allele origin: not applicable. Functional consequence: retained intron. Not counted in ClinVar's aggregate classification.

Dr. Peter K. Rogan Lab, Western University
No classification provided (evidence only). Condition: Chronic lymphocytic leukemia/small lymphocytic lymphoma. Review status: no classification provided. Collection method: in vitro. Allele origin: not applicable. Functional consequence: retained intron. Not counted in ClinVar's aggregate classification.

Dr. Peter K. Rogan Lab, Western University
No classification provided (evidence only). Condition: Nonpapillary renal cell carcinoma. Review status: no classification provided. Collection method: in vitro. Allele origin: not applicable. Functional consequence: retained intron. Not counted in ClinVar's aggregate classification.

Dr. Peter K. Rogan Lab, Western University
No classification provided (evidence only). Condition: Nonpapillary renal cell carcinoma. Review status: no classification provided. Collection method: in vitro. Allele origin: not applicable. Functional consequence: retained intron. Not counted in ClinVar's aggregate classification.

Dr. Peter K. Rogan Lab, Western University
No classification provided (evidence only). Condition: Lymphoma. Review status: no classification provided. Collection method: in vitro. Allele origin: not applicable. Functional consequence: retained intron. Not counted in ClinVar's aggregate classification.